The following is an entry in ClinVar:

ClinVar aggregate classification (germline): Uncertain significance (1 of 4 stars; one submission).

Submission:

Labcorp Genetics (formerly Invitae), Labcorp
Classification: Uncertain significance. Last evaluated: 2023-05-22. Review status: criteria provided, single submitter. Criteria: Invitae Variant Classification Sherloc (09022015). Collection method: clinical testing. Allele origin: germline.
Comment: In summary, the available evidence is currently insufficient to determine the role of this variant in disease. Therefore, it has been classified as a Variant of Uncertain Significance. Algorithms developed to predict the effect of sequence changes on RNA splicing suggest that this variant may create or strengthen a splice site. ClinVar contains an entry for this variant (Variation ID: 2055221). This variant has not been reported in the literature in individuals affected with SNRNP200-related conditions. This variant is present in population databases (no rsID available, gnomAD 0.003%). This sequence change falls in intron 41 of the SNRNP200 gene. It does not directly change the encoded amino acid sequence of the SNRNP200 protein.

NM_014014.5(SNRNP200):c.5931+12C>A

Gene: SNRNP200 (small nuclear ribonucleoprotein U5 subunit 200; minus strand). Cytogenetic location: 2q11.2.
Variant type: single nucleotide variant.
Coding change: c.5931+12C>A on transcript NM_014014.5 (MANE Select); 12 bases into the intron after coding-DNA position 5931, C replaced by A.
Molecular consequence: intron variant.
Genome position (GRCh38, 1-based): chr2:96,277,527, G>T on the plus strand (C>A on the coding strand, the complement: SNRNP200 is on the minus strand). VCF-style: chr2-96277527-G-T. GRCh37 (hg19) VCF-style: chr2-96943265-G-T.
Identifiers: ClinVar variation 2055221 (VCV002055221.4), dbSNP rs1210240217, ClinGen allele CA534635006.